The following is an entry in ClinVar:

ClinVar aggregate classification (germline): Uncertain significance (1 of 4 stars; one submission).

Allele frequency attached by ClinVar (database versions not stated): gnomAD exomes below 0.00001; TOPMed below 0.00001.
gnomAD v4.1: 1 of 1,612,574 alleles (0.000062%); highest among the groups gnomAD compares: Non-Finnish European, 0.000085%; no homozygotes.

Submission:

Labcorp Genetics (formerly Invitae), Labcorp
Classification: Uncertain significance. Last evaluated: 2021-08-24. Review status: criteria provided, single submitter. Criteria: Invitae Variant Classification Sherloc (09022015). Collection method: clinical testing. Allele origin: germline.
Comment: This sequence change replaces proline with leucine at codon 748 of the LIFR protein (p.Pro748Leu). The proline residue is highly conserved and there is a moderate physicochemical difference between proline and leucine. This variant is not present in population databases (ExAC no frequency). This variant has not been reported in the literature in individuals affected with LIFR-related conditions. Algorithms developed to predict the effect of missense changes on protein structure and function are either unavailable or do not agree on the potential impact of this missense change (SIFT: "Tolerated"; PolyPhen-2: "Probably Damaging"; Align-GVGD: "Class C15"). In summary, the available evidence is currently insufficient to determine the role of this variant in disease. Therefore, it has been classified as a Variant of Uncertain Significance.

NM_001127671.2(LIFR):c.2243C>T (p.Pro748Leu)

Gene: LIFR (LIF receptor subunit alpha; minus strand). Cytogenetic location: 5p13.1.
Variant type: single nucleotide variant.
Coding change: c.2243C>T on transcript NM_001127671.2 (MANE Select); coding-DNA position 2243, C replaced by T.
Protein change: p.Pro748Leu; replaces proline 748 with leucine.
Molecular consequence: missense variant.
Genome position (GRCh38, 1-based): chr5:38,489,170, G>A on the plus strand (C>T on the coding strand, the complement: LIFR is on the minus strand). VCF-style: chr5-38489170-G-A. GRCh37 (hg19) VCF-style: chr5-38489272-G-A.
Other names: c.2243C>T, p.Pro748Leu (NM_001364297.2, NM_001364298.2, NM_002310.6); short protein forms P748L.
Identifiers: ClinVar variation 1929842 (VCV001929842.2), dbSNP rs951696370, ClinGen allele CA117145333.